The following is an entry in ClinVar:

NM_022773.4(LMF1):c.1481C>G (p.Ala494Gly)

Gene: LMF1 (lipase maturation factor 1; minus strand). Cytogenetic location: 16p13.3.
Variant type: single nucleotide variant.
Coding change: c.1481C>G on transcript NM_022773.4 (MANE Select); coding-DNA position 1481, C replaced by G.
Protein change: p.Ala494Gly; replaces alanine 494 with glycine.
Molecular consequence: missense variant. On other transcripts: synonymous variant (1), non-coding transcript variant (1).
Genome position (GRCh38, 1-based): chr16:868,992, G>C on the plus strand (C>G on the coding strand, the complement: LMF1 is on the minus strand). VCF-style: chr16-868992-G-C. GRCh37 (hg19) VCF-style: chr16-918992-G-C.
Other names: c.830C>G, p.Ala277Gly (NM_001352017.2, NM_001352021.2); c.1082C>G, p.Ala361Gly (NM_001352018.2); c.1154C>G, p.Ala385Gly (NM_001352019.2); c.1401C>G, p.Gly467= (NM_001352020.1); short protein forms A361G, A277G, A385G, A494G.
Identifiers: ClinVar variation 1773577 (VCV001773577.4), dbSNP rs376340194, ClinGen allele CA7796952.
Genomic context (GRCh38, chr16:868,992, plus strand): 5'-AGGGCATCCTACCTGGGCGGGGGCCTGCCCGCGAAGGGGTTGTGTGCCAGCAGGGACAAG[G>C]CCTCGGCGTCGCTGGCCAGGAGCTTGCCAGCCAGGTGGATGATCCAGTCGTTGTGCTCGT-3'
Protein context (NP_073610.2, residues 484-504): AGKLLASDAE[Ala494Gly]LSLLAHNPFA

ClinVar aggregate classification (germline): Uncertain significance. Review status: criteria provided, multiple submitters, no conflicts (2 of 4 stars). 2 submissions from 2 submitters: Uncertain significance (2). Last evaluated 2022-07-15.

Conditions:
Cardiovascular phenotype. Identifiers: MedGen CN230736.

Allele frequency attached by ClinVar (database versions not stated): ExAC 0.00003; gnomAD 0.00007; TOPMed 0.00013.
gnomAD v4.1: 45 of 1,612,394 alleles (0.0028%); highest among the groups gnomAD compares: African/African-American, 0.051%; no homozygotes.

Submissions (2):

Labcorp Genetics (formerly Invitae), Labcorp
Classification: Uncertain significance. Last evaluated: 2022-07-15. Review status: criteria provided, single submitter. Criteria: Invitae Variant Classification Sherloc (09022015). Collection method: clinical testing. Allele origin: germline.
Comment: This sequence change replaces alanine, which is neutral and non-polar, with glycine, which is neutral and non-polar, at codon 494 of the LMF1 protein (p.Ala494Gly). This variant is present in population databases (rs376340194, gnomAD 0.04%). This variant has not been reported in the literature in individuals affected with LMF1-related conditions. Algorithms developed to predict the effect of missense changes on protein structure and function are either unavailable or do not agree on the potential impact of this missense change (SIFT: "Deleterious"; PolyPhen-2: "Possibly Damaging"; Align-GVGD: "Class C0"). In summary, the available evidence is currently insufficient to determine the role of this variant in disease. Therefore, it has been classified as a Variant of Uncertain Significance.

Ambry Genetics
Classification: Uncertain significance for Cardiovascular phenotype. Last evaluated: 2021-10-19. Review status: criteria provided, single submitter. Criteria: Ambry Variant Classification Scheme 2023. Collection method: clinical testing. Allele origin: germline.
Comment: The p.A494G variant (also known as c.1481C>G), located in coding exon 10 of the LMF1 gene, results from a C to G substitution at nucleotide position 1481. The alanine at codon 494 is replaced by glycine, an amino acid with similar properties. This amino acid position is conserved. In addition, this alteration is predicted to be tolerated by in silico analysis. Since supporting evidence is limited at this time, the clinical significance of this alteration remains unclear.